The following is an entry in ClinVar:

NM_000548.5(TSC2):c.2295C>G (p.Ala765=)

Gene: TSC2 (TSC complex subunit 2; plus strand). Cytogenetic location: 16p13.3.
Variant type: single nucleotide variant.
Coding change: c.2295C>G on transcript NM_000548.5 (MANE Select); coding-DNA position 2295, C replaced by G.
Protein change: p.Ala765=; no amino-acid change (alanine 765 retained).
Molecular consequence: synonymous variant.
Genome position (GRCh38, 1-based): chr16:2,072,923, C>G. VCF-style: chr16-2072923-C-G. GRCh37 (hg19) VCF-style: chr16-2122924-C-G.
Other names: c.2295C>G, p.Ala765= (NM_001077183.3, NM_001114382.3, NM_001363528.2 and 3 more transcripts); c.2184C>G, p.Ala728= (NM_001318827.2); c.2148C>G, p.Ala716= (NM_001318829.2); c.1695C>G, p.Ala565= (NM_001318831.2); c.2328C>G, p.Ala776= (NM_001318832.2); c.2295C>G (NM_000548.4).
Identifiers: ClinVar variation 626038 (VCV000626038.23), dbSNP rs45509500, ClinGen allele CA492952659.

ClinVar aggregate classification (germline): Conflicting classifications of pathogenicity. Review status: criteria provided, conflicting classifications (1 of 4 stars). 8 submissions from 8 submitters: Uncertain significance (1); Benign (1); Likely benign (6). Last evaluated 2026-08-03.

Conditions:
Hereditary cancer-predisposing syndrome. Also called: Neoplastic Syndromes, Hereditary; Tumor predisposition; Hereditary neoplastic syndrome; Hereditary Cancer Syndrome. Identifiers: Orphanet 140162, MedGen C0027672, MeSH D009386, MONDO:0015356.
Tuberous sclerosis 2 (TSC2). Identifiers: Orphanet 805, MedGen C1860707, MONDO:0013199, OMIM 613254.
Tuberous sclerosis syndrome (TSC). Also called: Tuberous sclerosis; Tuberous Sclerosis Complex. Identifiers: Orphanet 805, MedGen C0041341, MONDO:0001734.
Lymphangiomyomatosis (LAM). Also called: Lymphangioleiomyomatosis; Lymphangioleiomyomatosis, somatic. Identifiers: Orphanet 538, MedGen C0751674, MONDO:0011705, OMIM 606690.
Isolated focal cortical dysplasia type II (FCORD2). Also called: CORTICAL DYSPLASIA OF TAYLOR; Focal cortical dysplasia type II. Identifiers: Orphanet 268994, MedGen C1846385, MONDO:0011818, OMIM 607341, HP:0032051.
TSC2-related disorder. Also called: TSC2-Related Disorders; TSC2-related condition.

Allele frequency attached by ClinVar (database versions not stated): TOPMed 0.00002.
gnomAD v4.1: 28 of 1,613,500 alleles (0.0017%); highest among the groups gnomAD compares: Non-Finnish European, 0.0023%; no homozygotes.

Submissions (8):

PreventionGenetics, part of Exact Sciences
Classification: Likely benign for TSC2-related condition. Last evaluated: 2026-08-03. Review status: criteria provided, single submitter. Criteria: ACMG Guidelines, 2015. Collection method: clinical testing. Allele origin: germline.
Comment: This variant is classified as likely benign based on ACMG/AMP sequence variant interpretation guidelines (Richards et al. 2015 PMID: 25741868, with internal and published modifications).

Labcorp Genetics (formerly Invitae), Labcorp
Classification: Likely benign for Tuberous sclerosis 2. Last evaluated: 2025-12-28. Review status: criteria provided, single submitter. Criteria: Invitae Variant Classification Sherloc (09022015). Collection method: clinical testing. Allele origin: germline.

Myriad Genetics, Inc.
Classification: Benign for Tuberous sclerosis 2. Last evaluated: 2025-05-19. Review status: criteria provided, single submitter. Criteria: Myriad Autosomal Dominant, Autosomal Recessive and X-Linked Classification Criteria (2023). Collection method: clinical testing. Allele origin: unknown.
Comment: This variant is considered benign. This variant is a silent/synonymous amino acid change and it is not expected to impact splicing.

All of Us Research Program, National Institutes of Health
Classification: Likely benign for Tuberous sclerosis syndrome. Last evaluated: 2024-02-05. Review status: criteria provided, single submitter. Criteria: ACMG Guidelines, 2015. Collection method: clinical testing. Allele origin: germline. Inheritance: Autosomal dominant inheritance. Observed: 4 variant alleles, 4 heterozygotes.
Comment: This study involves interpretation of variants in research participants for the purpose of population health screening. Participant phenotype was not available at the time of variant classification. Additional details can be found in publication PMID: 35346344, PMCID: PMC8962531

Genome-Nilou Lab
Classification: Likely benign for Tuberous sclerosis 2. Last evaluated: 2021-11-07. Review status: criteria provided, single submitter. Criteria: ACMG Guidelines, 2015. Collection method: clinical testing. Allele origin: germline. Affected: no.

Sema4
Classification: Likely benign for Hereditary cancer-predisposing syndrome. Last evaluated: 2021-04-16. Review status: criteria provided, single submitter. Criteria: Sema4 Curation Guidelines. Collection method: curation. Allele origin: germline.

Ambry Genetics
Classification: Likely benign for Hereditary cancer-predisposing syndrome. Last evaluated: 2019-05-20. Review status: criteria provided, single submitter. Criteria: Ambry Variant Classification Scheme 2023. Collection method: clinical testing. Allele origin: germline.

Center for Genomics, Ann and Robert H. Lurie Children's Hospital of Chicago
Classification: Uncertain significance for Lymphangiomyomatosis; Isolated focal cortical dysplasia type II; Tuberous sclerosis 2. Review status: criteria provided, single submitter. Criteria: ACMG Guidelines, 2015. Collection method: clinical testing. Allele origin: germline.
Comment: TSC2 NM_000548.4 exon 21 p.Ala765= (c.2295C>G): This variant has not been reported in the literature but is present in 1/111570 European alleles in the Genome Aggregation Database. Evolutionary conservation and computational predictive tools for this variant are limited or unavailable. Of note, this variant is a silent variant and does not change the amino acid, reducing the probability that this variant is disease causing. In summary, data on this variant is insufficient for disease classification. Therefore, the clinical significance of this variant is uncertain.